The following is an entry in ClinVar:

ClinVar aggregate classification (germline): Uncertain significance (1 of 4 stars; one submission).

Allele frequency attached by ClinVar (database versions not stated): TOPMed 0.00002; ExAC 0.00007.
gnomAD v4.1: 19 of 1,614,028 alleles (0.0012%); highest among the groups gnomAD compares: Admixed American, 0.027%; no homozygotes.

Submission:

Labcorp Genetics (formerly Invitae), Labcorp
Classification: Uncertain significance. Last evaluated: 2024-12-09. Review status: criteria provided, single submitter. Criteria: Invitae Variant Classification Sherloc (09022015). Collection method: clinical testing. Allele origin: germline.
Comment: This sequence change replaces arginine, which is basic and polar, with glycine, which is neutral and non-polar, at codon 248 of the KIAA1549 protein (p.Arg248Gly). The frequency data for this variant in the population databases is considered unreliable, as metrics indicate poor data quality at this position in the gnomAD database. This variant has not been reported in the literature in individuals affected with KIAA1549-related conditions. ClinVar contains an entry for this variant (Variation ID: 954788). An algorithm developed to predict the effect of missense changes on protein structure and function outputs the following: PolyPhen-2: "Benign". The glycine amino acid residue is found in multiple mammalian species, which suggests that this missense change does not adversely affect protein function. In summary, the available evidence is currently insufficient to determine the role of this variant in disease. Therefore, it has been classified as a Variant of Uncertain Significance.

NM_001164665.2(KIAA1549):c.742A>G (p.Arg248Gly)

Gene: KIAA1549 (KIAA1549; minus strand). Cytogenetic location: 7q34.
Variant type: single nucleotide variant.
Coding change: c.742A>G on transcript NM_001164665.2 (MANE Select); coding-DNA position 742, A replaced by G.
Protein change: p.Arg248Gly; replaces arginine 248 with glycine.
Molecular consequence: missense variant.
Genome position (GRCh38, 1-based): chr7:138,918,884, T>C on the plus strand (A>G on the coding strand, the complement: KIAA1549 is on the minus strand). VCF-style: chr7-138918884-T-C. GRCh37 (hg19) VCF-style: chr7-138603630-T-C.
Other names: c.742A>G, p.Arg248Gly (NM_020910.3); short protein forms R248G.
Identifiers: ClinVar variation 954788 (VCV000954788.9), dbSNP rs766287099, ClinGen allele CA4506876.